The following is an entry in ClinVar:

ClinVar aggregate classification (germline): Uncertain significance (1 of 4 stars; one submission).

Submission:

GeneDx
Classification: Uncertain significance. Last evaluated: 2024-01-05. Review status: criteria provided, single submitter. Criteria: GeneDx Variant Classification Process June 2021. Collection method: clinical testing. Allele origin: germline. Affected: yes.
Comment: Not observed at significant frequency in large population cohorts (gnomAD); In silico analysis supports a deleterious effect on splicing; Has not been previously published as pathogenic or benign to our knowledge

NM_020320.5(RARS2):c.111-201_111-8del

Gene: RARS2 (arginyl-tRNA synthetase 2, mitochondrial; minus strand). Cytogenetic location: 6q15.
Variant type: Deletion.
Coding change: c.111-201_111-8del on transcript NM_020320.5 (MANE Select); 201 bases into the intron before coding-DNA position 111 through 8 bases into the intron before coding-DNA position 111, 194 bases deleted.
Molecular consequence: intron variant.
Genome position (GRCh38, 1-based): chr6:87,564,240-87,564,433, 194 bases deleted. GRCh37 (hg19): chr6:88,273,959-88,274,152.
Other names: c.111-201_111-8del (NM_001350505.2); c.-359-201_-359-8del (NM_001350509.2, NM_001318785.2); c.-415-201_-415-8del (NM_001350506.2, NM_001350510.2, NM_001350507.2); c.-577-201_-577-8del (NM_001350508.2); c.-416+111_-415-8del (NM_001350511.2).
Identifiers: ClinVar variation 3370151 (VCV003370151.1).